The following is an entry in ClinVar:

ClinVar aggregate classification (germline): Uncertain significance (1 of 4 stars; one submission).

Conditions:
Nemaline myopathy 2 (NEM2). Also called: Nemaline myopathy 2, autosomal recessive. Identifiers: MedGen C1850569, MONDO:0009725, OMIM 256030.

Submission:

Labcorp Genetics (formerly Invitae), Labcorp
Classification: Uncertain significance for Nemaline myopathy 2. Last evaluated: 2022-07-05. Review status: criteria provided, single submitter. Criteria: Invitae Variant Classification Sherloc (09022015). Collection method: clinical testing. Allele origin: germline.
Comment: This sequence change replaces serine, which is neutral and polar, with arginine, which is basic and polar, at codon 2894 of the NEB protein (p.Ser2894Arg). This variant is not present in population databases (gnomAD no frequency). This variant has not been reported in the literature in individuals affected with NEB-related conditions. Algorithms developed to predict the effect of missense changes on protein structure and function are either unavailable or do not agree on the potential impact of this missense change (SIFT: "Deleterious"; PolyPhen-2: "Not Available"; Align-GVGD: "Class C0"). In summary, the available evidence is currently insufficient to determine the role of this variant in disease. Therefore, it has been classified as a Variant of Uncertain Significance.

NM_001164508.2(NEB):c.8680A>C (p.Ser2894Arg)

Gene: NEB (nebulin; minus strand). Cytogenetic location: 2q23.3.
Variant type: single nucleotide variant.
Coding change: c.8680A>C on transcript NM_001164508.2 (MANE Select); coding-DNA position 8680, A replaced by C.
Protein change: p.Ser2894Arg; replaces serine 2894 with arginine.
Molecular consequence: missense variant.
Genome position (GRCh38, 1-based): chr2:151,640,360, T>G on the plus strand (A>C on the coding strand, the complement: NEB is on the minus strand). VCF-style: chr2-151640360-T-G. GRCh37 (hg19) VCF-style: chr2-152496874-T-G.
Other names: c.8680A>C, p.Ser2894Arg (NM_001164507.2, NM_001271208.2, NM_004543.5); short protein forms S2894R.
Identifiers: ClinVar variation 2084118 (VCV002084118.1), dbSNP rs2552243846, ClinGen allele CA348809772.
Genomic context (GRCh38, chr2:151,640,360, plus strand): 5'-AGGGGTGTTAAATAATTTCCCACCTCTGCACGTTATTATGACTCTCAGTACTCACATCGC[T>G]CTGGAGGTCATAGGCCTGCCGAGCATGGATGACGTCGCTCTGGTCGGGCAGGCATGTCCA-3'
Protein context (NP_001157980.2, residues 2884-2904): IHARQAYDLQ[Ser2894Arg]DNMYKSDLQW